The following is an entry in ClinVar:

ClinVar aggregate classification (germline): Pathogenic (1 of 4 stars; one submission).

Conditions:
Fanconi anemia complementation group O. Also called: RAD51C-Related Fanconi Anemia. Identifiers: Orphanet 84, MedGen C3150653, MONDO:0013248, OMIM 613390.

Submission:

Labcorp Genetics (formerly Invitae), Labcorp
Classification: Pathogenic for Fanconi anemia complementation group O. Last evaluated: 2021-03-02. Review status: criteria provided, single submitter. Criteria: Invitae Variant Classification Sherloc (09022015). Collection method: clinical testing. Allele origin: germline.
Comment: This variant is not present in population databases (ExAC no frequency). This sequence change creates a premature translational stop signal (p.Lys188Glyfs*14) in the RAD51C gene. It is expected to result in an absent or disrupted protein product. Loss-of-function variants in RAD51C are known to be pathogenic (PMID: 20400964, 21990120, 24800917). This variant has not been reported in the literature in individuals with RAD51C-related conditions. For these reasons, this variant has been classified as Pathogenic.

Literature cited by the submitters: PubMed 20400964; PubMed 21990120; PubMed 24800917.

NM_058216.3(RAD51C):c.562_563del (p.Lys188fs)

Gene: RAD51C (RAD51 paralog C; plus strand). Cytogenetic location: 17q22.
Variant type: Deletion.
Coding change: c.562_563del on transcript NM_058216.3 (MANE Select); coding-DNA positions 562 to 563, 2 bases deleted (AA; older notation c.562_563delAA).
Protein change: p.Lys188fs; shifts the reading frame from lysine 188.
Molecular consequence: frameshift variant.
Genome position (GRCh38, 1-based): chr17:58,696,850-58,696,851, AA deleted. VCF-style (leftmost placement, unchanged base first): chr17-58696849-CAA-C. GRCh37 (hg19) VCF-style: chr17-56774210-CAA-C.
Other names: short protein forms K188fs.
Identifiers: ClinVar variation 1459998 (VCV001459998.6), dbSNP rs2143749861, ClinGen allele CA2573154422.